The following is an entry in ClinVar:

ClinVar aggregate classification (germline): Conflicting classifications of pathogenicity. Review status: criteria provided, conflicting classifications (1 of 4 stars). 2 submissions from 2 submitters: Uncertain significance (1); Likely benign (1). Last evaluated 2025-11-26.

Conditions:
Inborn genetic diseases. Identifiers: MedGen C0950123, MeSH D030342.

Allele frequency attached by ClinVar (database versions not stated): gnomAD 0.00001; gnomAD exomes 0.00002; TOPMed 0.00003; ExAC 0.00008.
gnomAD v4.1: 31 of 1,613,884 alleles (0.0019%); highest among the groups gnomAD compares: Admixed American, 0.038%; no homozygotes.

Submissions (2):

Labcorp Genetics (formerly Invitae), Labcorp
Classification: Uncertain significance. Last evaluated: 2025-11-26. Review status: criteria provided, single submitter. Criteria: Invitae Variant Classification Sherloc (09022015). Collection method: clinical testing. Allele origin: germline.
Comment: This sequence change replaces arginine, which is basic and polar, with glutamine, which is neutral and polar, at codon 248 of the GSN protein (p.Arg248Gln). This variant is present in population databases (rs745312507, gnomAD 0.05%), and has an allele count higher than expected for a pathogenic variant. This variant has not been reported in the literature in individuals affected with GSN-related conditions. ClinVar contains an entry for this variant (Variation ID: 1758925). Invitae Evidence Modeling of protein sequence and biophysical properties (such as structural, functional, and spatial information, amino acid conservation, physicochemical variation, residue mobility, and thermodynamic stability) indicates that this missense variant is expected to disrupt GSN protein function with a positive predictive value of 80%. In summary, the available evidence is currently insufficient to determine the role of this variant in disease. Therefore, it has been classified as a Variant of Uncertain Significance.

Ambry Genetics
Classification: Likely benign for Inborn genetic diseases. Last evaluated: 2022-09-12. Review status: criteria provided, single submitter. Criteria: Ambry Variant Classification Scheme 2023. Collection method: clinical testing. Allele origin: germline.

NM_198252.3(GSN):c.590G>A (p.Arg197Gln)

Gene: GSN (gelsolin; plus strand). Cytogenetic location: 9q33.2.
Variant type: single nucleotide variant.
Coding change: c.590G>A on transcript NM_198252.3 (MANE Select); coding-DNA position 590, G replaced by A.
Protein change: p.Arg197Gln; replaces arginine 197 with glutamine.
Molecular consequence: missense variant. On other transcripts: 5 prime UTR variant (1).
Genome position (GRCh38, 1-based): chr9:121,312,415, G>A. VCF-style: chr9-121312415-G-A. GRCh37 (hg19) VCF-style: chr9-124074693-G-A.
Other names: c.743G>A, p.Arg248Gln (NM_000177.5); c.590G>A, p.Arg197Gln (NM_001127662.2, NM_001127664.2, NM_001127665.2 and 10 more transcripts); c.698G>A, p.Arg233Gln (NM_001127663.2); c.623G>A, p.Arg208Gln (NM_001127666.2, NM_001127667.2, NM_001353063.2 and 13 more transcripts); c.641G>A, p.Arg214Gln (NM_001258029.2); c.614G>A, p.Arg205Gln (NM_001258030.2); c.662G>A, p.Arg221Gln (NM_001353076.2); c.-65G>A (NM_001353078.2); short protein forms R248Q, R208Q, R214Q, R233Q, R197Q, R205Q, R221Q.
Identifiers: ClinVar variation 1758925 (VCV001758925.7), dbSNP rs745312507, ClinGen allele CA5220940.